The following is an entry in ClinVar:

NM_000083.3(CLCN1):c.2021C>A (p.Ala674Asp)

Genes: CLCN1 (chloride voltage-gated channel 1; plus strand), LOC123956257 (Sharpr-MPRA regulatory region 4117; plus strand). Cytogenetic location: 7q34.
Variant type: single nucleotide variant.
Coding change: c.2021C>A on transcript NM_000083.3 (MANE Select); coding-DNA position 2021, C replaced by A.
Protein change: p.Ala674Asp; replaces alanine 674 with aspartic acid.
Molecular consequence: missense variant. On other transcripts: non-coding transcript variant (1).
Genome position (GRCh38, 1-based): chr7:143,345,611, C>A. VCF-style: chr7-143345611-C-A. GRCh37 (hg19) VCF-style: chr7-143042704-C-A.
Other names: short protein forms A674D.
Identifiers: ClinVar variation 3067630 (VCV003067630.21), dbSNP rs1803213504, ClinGen allele CA369649948.

ClinVar aggregate classification (germline): Uncertain significance (1 of 4 stars; one submission).

Submission:

CeGaT Center for Human Genetics Tuebingen
Classification: Uncertain significance. Last evaluated: 2024-03-01. Review status: criteria provided, single submitter. Criteria: CeGaT Center For Human Genetics Tuebingen Variant Classification Criteria Version 2. Collection method: clinical testing. Allele origin: germline. Affected: yes. Observed: 1 variant allele.
Comment: CLCN1: PM2